The following is an entry in ClinVar:

NM_001079520.2(DACT1):c.2029G>T (p.Ala677Ser)

Gene: DACT1 (dishevelled binding antagonist of beta catenin 1; plus strand). Cytogenetic location: 14q23.1.
Variant type: single nucleotide variant.
Coding change: c.2029G>T on transcript NM_001079520.2 (MANE Select); coding-DNA position 2029, G replaced by T.
Protein change: p.Ala677Ser; replaces alanine 677 with serine.
Molecular consequence: missense variant. On other transcripts: non-coding transcript variant (5).
Genome position (GRCh38, 1-based): chr14:58,646,763, G>T. VCF-style: chr14-58646763-G-T. GRCh37 (hg19) VCF-style: chr14-59113481-G-T.
Other names: c.2140G>T, p.Ala714Ser (NM_016651.6); short protein forms A677S, A714S.
Identifiers: ClinVar variation 3348444 (VCV003348444.1).

ClinVar aggregate classification (germline): Uncertain significance (0 of 4 stars; one submission).

Conditions:
DACT1-related disorder. Also called: DACT1-related condition.

Submission:

PreventionGenetics, part of Exact Sciences
Classification: Uncertain significance for DACT1-related condition. Last evaluated: 2024-03-24. Review status: no assertion criteria provided. Collection method: clinical testing. Allele origin: germline.
Comment: The DACT1 c.2140G>T variant is predicted to result in the amino acid substitution p.Ala714Ser. To our knowledge, this variant has not been reported in the literature or in a large population database, indicating this variant is rare. At this time, the clinical significance of this variant is uncertain due to the absence of conclusive functional and genetic evidence.